The following is an entry in ClinVar:

ClinVar aggregate classification (germline): Uncertain significance (1 of 4 stars; one submission).

Conditions:
Conotruncal heart malformations (CTHM). Also called: Conotruncal heart malformations, variable. Identifiers: Orphanet 2445, Orphanet 3384, Orphanet 3426, MedGen C1857586, MONDO:0016581, OMIM 217095.

gnomAD v4.1: 14 of 1,545,570 alleles (0.00091%); highest among the groups gnomAD compares: African/African-American, 0.0014%; no homozygotes.

Submission:

Labcorp Genetics (formerly Invitae), Labcorp
Classification: Uncertain significance for Conotruncal heart malformations. Last evaluated: 2024-07-30. Review status: criteria provided, single submitter. Criteria: Invitae Variant Classification Sherloc (09022015). Collection method: clinical testing. Allele origin: germline.
Comment: This sequence change replaces glycine, which is neutral and non-polar, with arginine, which is basic and polar, at codon 257 of the NKX2-6 protein (p.Gly257Arg). This variant is present in population databases (no rsID available, gnomAD 0.01%). This variant has not been reported in the literature in individuals affected with NKX2-6-related conditions. An algorithm developed to predict the effect of missense changes on protein structure and function (PolyPhen-2) suggests that this variant is likely to be tolerated. In summary, the available evidence is currently insufficient to determine the role of this variant in disease. Therefore, it has been classified as a Variant of Uncertain Significance.

NM_001136271.3(NKX2-6):c.769G>C (p.Gly257Arg)

Gene: NKX2-6 (NK2 homeobox 6; minus strand). Cytogenetic location: 8p21.2.
Variant type: single nucleotide variant.
Coding change: c.769G>C on transcript NM_001136271.3 (MANE Select); coding-DNA position 769, G replaced by C.
Protein change: p.Gly257Arg; replaces glycine 257 with arginine.
Molecular consequence: missense variant.
Genome position (GRCh38, 1-based): chr8:23,702,588, C>G on the plus strand (G>C on the coding strand, the complement: NKX2-6 is on the minus strand). VCF-style: chr8-23702588-C-G. GRCh37 (hg19) VCF-style: chr8-23560101-C-G.
Other names: short protein forms G257R.
Identifiers: ClinVar variation 3693926 (VCV003693926.2).